The following is an entry in ClinVar:

NM_001184.4(ATR):c.4750A>G (p.Met1584Val)

Gene: ATR (ATR checkpoint kinase; minus strand). Cytogenetic location: 3q23.
Variant type: single nucleotide variant.
Coding change: c.4750A>G on transcript NM_001184.4 (MANE Select); coding-DNA position 4750, A replaced by G.
Protein change: p.Met1584Val; replaces methionine 1584 with valine.
Molecular consequence: missense variant.
Genome position (GRCh38, 1-based): chr3:142,512,362, T>C on the plus strand (A>G on the coding strand, the complement: ATR is on the minus strand). VCF-style: chr3-142512362-T-C. GRCh37 (hg19) VCF-style: chr3-142231204-T-C.
Other names: c.4558A>G, p.Met1520Val (NM_001354579.2); short protein forms M1520V, M1584V.
Identifiers: ClinVar variation 1373076 (VCV001373076.8), dbSNP rs747848014, ClinGen allele CA354795448.

ClinVar aggregate classification (germline): Uncertain significance (1 of 4 stars; one submission).

Submission:

Labcorp Genetics (formerly Invitae), Labcorp
Classification: Uncertain significance. Last evaluated: 2022-08-22. Review status: criteria provided, single submitter. Criteria: Invitae Variant Classification Sherloc (09022015). Collection method: clinical testing. Allele origin: germline.
Comment: In summary, the available evidence is currently insufficient to determine the role of this variant in disease. Therefore, it has been classified as a Variant of Uncertain Significance. Algorithms developed to predict the effect of missense changes on protein structure and function (SIFT, PolyPhen-2, Align-GVGD) all suggest that this variant is likely to be tolerated. ClinVar contains an entry for this variant (Variation ID: 1373076). This variant has not been reported in the literature in individuals affected with ATR-related conditions. This variant is not present in population databases (gnomAD no frequency). This sequence change replaces methionine, which is neutral and non-polar, with valine, which is neutral and non-polar, at codon 1584 of the ATR protein (p.Met1584Val).